The following is an entry in ClinVar:

NM_170606.3(KMT2C):c.4618C>T (p.Gln1540Ter)

Gene: KMT2C (lysine methyltransferase 2C; minus strand). Cytogenetic location: 7q36.1.
Variant type: single nucleotide variant.
Coding change: c.4618C>T on transcript NM_170606.3 (MANE Select); coding-DNA position 4618, C replaced by T.
Protein change: p.Gln1540Ter; replaces glutamine 1540 with a stop codon.
Molecular consequence: nonsense.
Genome position (GRCh38, 1-based): chr7:152,194,051, G>A on the plus strand (C>T on the coding strand, the complement: KMT2C is on the minus strand). VCF-style: chr7-152194051-G-A. GRCh37 (hg19) VCF-style: chr7-151891136-G-A.
Other names: short protein forms Q1540*.
Identifiers: ClinVar variation 3897605 (VCV003897605.1).

ClinVar aggregate classification (germline): Pathogenic (1 of 4 stars; one submission).

Conditions:
Kleefstra syndrome 2 (KLEFS2). Identifiers: MedGen C4540395, MONDO:0054701, OMIM 617768.

Submission:

Genetics Laboratory, UDIAT-Centre Diagnòstic, Hospital Universitari Parc Tauli
Classification: Pathogenic for Kleefstra syndrome 2. Last evaluated: 2023-01-17. Review status: criteria provided, single submitter. Criteria: ACMG Guidelines, 2015. Collection method: clinical testing. Allele origin: unknown. Inheritance: Autosomal dominant inheritance. Affected: yes.
Comment: PVS1_very strong;PM2_supporting;PM6_moderate